The following is an entry in ClinVar:

NM_004958.4(MTOR):c.2967C>G (p.Phe989Leu)

Gene: MTOR (mechanistic target of rapamycin kinase; minus strand). Cytogenetic location: 1p36.22.
Variant type: single nucleotide variant.
Coding change: c.2967C>G on transcript NM_004958.4 (MANE Select); coding-DNA position 2967, C replaced by G.
Protein change: p.Phe989Leu; replaces phenylalanine 989 with leucine.
Molecular consequence: missense variant.
Genome position (GRCh38, 1-based): chr1:11,228,731, G>C on the plus strand (C>G on the coding strand, the complement: MTOR is on the minus strand). VCF-style: chr1-11228731-G-C. GRCh37 (hg19) VCF-style: chr1-11288788-G-C.
Other names: short protein forms F989L.
Identifiers: ClinVar variation 945633 (VCV000945633.9), dbSNP rs1646927339, ClinGen allele CA338378841.

ClinVar aggregate classification (germline): Uncertain significance (1 of 4 stars; one submission).

Submission:

Labcorp Genetics (formerly Invitae), Labcorp
Classification: Uncertain significance. Last evaluated: 2019-07-12. Review status: criteria provided, single submitter. Criteria: Invitae Variant Classification Sherloc (09022015). Collection method: clinical testing. Allele origin: germline.
Comment: Algorithms developed to predict the effect of missense changes on protein structure and function are either unavailable or do not agree on the potential impact of this missense change (SIFT: "Deleterious"; PolyPhen-2: "Benign"; Align-GVGD: "Class C0"). This sequence change replaces phenylalanine with leucine at codon 989 of the MTOR protein (p.Phe989Leu). The phenylalanine residue is highly conserved and there is a small physicochemical difference between phenylalanine and leucine. This variant is not present in population databases (ExAC no frequency). This variant has not been reported in the literature in individuals with MTOR-related conditions. In summary, the available evidence is currently insufficient to determine the role of this variant in disease. Therefore, it has been classified as a Variant of Uncertain Significance.